The following is an entry in ClinVar:

NM_001394410.1(STXBP6):c.358T>G (p.Cys120Gly)

Gene: STXBP6 (syntaxin binding protein 6; minus strand). Cytogenetic location: 14q12.
Variant type: single nucleotide variant.
Coding change: c.358T>G on transcript NM_001394410.1 (MANE Select); coding-DNA position 358, T replaced by G.
Protein change: p.Cys120Gly; replaces cysteine 120 with glycine.
Molecular consequence: missense variant. On other transcripts: intron variant (1).
Genome position (GRCh38, 1-based): chr14:24,856,029, A>C on the plus strand (T>G on the coding strand, the complement: STXBP6 is on the minus strand). VCF-style: chr14-24856029-A-C. GRCh37 (hg19) VCF-style: chr14-25325235-A-C.
Other names: c.358T>G, p.Cys120Gly (NM_001304476.3, NM_001304477.3, NM_001351940.3 and 11 more transcripts); c.118T>G, p.Cys40Gly (NM_001394418.1, NM_001394419.1); c.155-36835T>G (NM_001394420.1); short protein forms C120G, C40G.
Identifiers: ClinVar variation 4732319 (VCV004732319.1).

ClinVar aggregate classification (germline): Uncertain significance (1 of 4 stars; one submission).

Submission:

Labcorp Genetics (formerly Invitae), Labcorp
Classification: Uncertain significance. Last evaluated: 2025-12-08. Review status: criteria provided, single submitter. Criteria: Invitae Variant Classification Sherloc (09022015). Collection method: clinical testing. Allele origin: germline.
Comment: This sequence change replaces cysteine, which is neutral and slightly polar, with glycine, which is neutral and non-polar, at codon 120 of the STXBP6 protein (p.Cys120Gly). This variant is not present in population databases (gnomAD no frequency). This variant has not been reported in the literature in individuals affected with STXBP6-related conditions. An algorithm developed to predict the effect of missense changes on protein structure and function (PolyPhen-2) suggests that this variant is likely to be tolerated. In summary, the available evidence is currently insufficient to determine the role of this variant in disease. Therefore, it has been classified as a Variant of Uncertain Significance.